The following is an entry in ClinVar:

NM_178857.6(RP1L1):c.1763A>G (p.Asp588Gly)

Gene: RP1L1 (RP1 like 1). Cytogenetic location: 8p23.1.
Variant type: single nucleotide variant.
Coding change: c.1763A>G on transcript NM_178857.6 (MANE Select); coding-DNA position 1763, A replaced by G.
Protein change: p.Asp588Gly; replaces aspartic acid 588 with glycine.
Molecular consequence: missense variant.
Genome position (GRCh38, 1-based): chr8:10,612,335, T>C on the plus strand (A>G on the coding strand, the complement: RP1L1 is on the minus strand). VCF-style: chr8-10612335-T-C. GRCh37 (hg19) VCF-style: chr8-10469845-T-C.
Other names: short protein forms D588G.
Identifiers: ClinVar variation 910419 (VCV000910419.6), dbSNP rs770348021, ClinGen allele CA4625064.
Genomic context (GRCh38, chr8:10,612,335, plus strand): 5'-CTTGTCACAGCCGCTCCCGTGGCCTGCTCGGTGCCCTGTCCTTGCGTCTCTGCCTGCAGG[T>C]CGTCACTCCTTAAAGATGAAAGACTCAGGGCTGGAGAAGCGGGGTCGCCTCCCTCGCTGG-3'
Protein context (NP_849188.4, residues 578-598): ALSLSSLRSD[Asp588Gly]LQAETQGQGT

ClinVar aggregate classification (germline): Benign/Likely benign. Review status: criteria provided, multiple submitters, no conflicts (2 of 4 stars). 3 submissions from 3 submitters: Benign (1); Likely benign (2). Last evaluated 2023-10-01.

Conditions:
Occult macular dystrophy (OCMD). Also called: OCCULT MACULAR DYSTROPHY, SUSCEPTIBILITY TO; OMD. Identifiers: Orphanet 247834, MedGen C3150833, MONDO:0013316, OMIM 613587, HP:0030636.
Retinal dystrophy. Also called: Inherited retinal dystrophy. Identifiers: Orphanet 71862, MedGen C0854723, MeSH D058499, MONDO:0019118, HP:0000556.

Allele frequency attached by ClinVar (database versions not stated): gnomAD exomes 0.00001 and 0.00003; TOPMed 0.00001; gnomAD 0.00002; ExAC 0.00003.
gnomAD v4.1: 52 of 1,613,052 alleles (0.0032%); highest among the groups gnomAD compares: East Asian, 0.11%; no homozygotes.

Submissions (3):

Dept Of Ophthalmology, Nagoya University
Classification: Likely benign for Retinal dystrophy. Last evaluated: 2023-10-01. Review status: criteria provided, single submitter. Criteria: Submitter's publication. Collection method: research. Allele origin: germline. Affected: yes.

Blueprint Genetics
Classification: Likely benign. Last evaluated: 2023-08-11. Review status: criteria provided, single submitter. Criteria: ACMG Guidelines, 2015. Collection method: clinical testing. Allele origin: germline.

Illumina Laboratory Services, Illumina
Classification: Benign for Occult macular dystrophy. Last evaluated: 2018-01-12. Review status: criteria provided, single submitter. Criteria: ICSL Variant Classification Criteria 13 December 2019. Collection method: clinical testing. Allele origin: germline.
Comment: This variant was observed in the ICSL laboratory as part of a predisposition screen in an ostensibly healthy population. It had not been previously curated by ICSL or reported in the Human Gene Mutation Database (HGMD: prior to June 1st, 2018), and was therefore a candidate for classification through an automated scoring system. Utilizing variant allele frequency, disease prevalence and penetrance estimates, and inheritance mode, an automated score was calculated to assess if this variant is too frequent to cause the disease. Based on the score and internal cut-off values, a variant classified as benign is not then subjected to further curation. The score for this variant resulted in a classification of benign for this disease.